The following is an entry in ClinVar:

NM_015102.5(NPHP4):c.3294A>C (p.Ala1098=)

Gene: NPHP4 (nephrocystin 4; minus strand). Cytogenetic location: 1p36.31.
Variant type: single nucleotide variant.
Coding change: c.3294A>C on transcript NM_015102.5 (MANE Select); coding-DNA position 3294, A replaced by C.
Protein change: p.Ala1098=; no amino-acid change (alanine 1098 retained).
Molecular consequence: synonymous variant. On other transcripts: non-coding transcript variant (1).
Genome position (GRCh38, 1-based): chr1:5,873,273, T>G on the plus strand (A>C on the coding strand, the complement: NPHP4 is on the minus strand). VCF-style: chr1-5873273-T-G. GRCh37 (hg19) VCF-style: chr1-5933333-T-G.
Other names: c.1755A>C, p.Ala585= (NM_001291593.2); c.1758A>C, p.Ala586= (NM_001291594.2).
Identifiers: ClinVar variation 3047203 (VCV003047203.2), dbSNP rs1570122961, ClinGen allele CA415788813.

ClinVar aggregate classification (germline): Likely benign (0 of 4 stars; one submission).

Conditions:
NPHP4-related disorder. Also called: NPHP4-related disorders; NPHP4-related condition. Identifiers: MedGen CN239384.

Allele frequency attached by ClinVar (database versions not stated): gnomAD exomes below 0.00001.
gnomAD v4.1: 1 of 1,613,918 alleles (0.000062%); highest among the groups gnomAD compares: Non-Finnish European, 0.000085%; no homozygotes.

Submission:

PreventionGenetics, part of Exact Sciences
Classification: Likely benign for NPHP4-related condition. Last evaluated: 2023-05-17. Review status: no assertion criteria provided. Collection method: clinical testing. Allele origin: germline.
Comment: This variant is classified as likely benign based on ACMG/AMP sequence variant interpretation guidelines (Richards et al. 2015 PMID: 25741868, with internal and published modifications).